The following is an entry in ClinVar:

ClinVar aggregate classification (germline): Uncertain significance (1 of 4 stars; one submission).

Conditions:
Metachromatic leukodystrophy (MLD). Also called: ARSA DEFICIENCY; CEREBROSIDE SULFATASE DEFICIENCY; METACHROMATIC LEUKOENCEPHALOPATHY; Cerebral sclerosis diffuse metachromatic form; Arylsulfatase A Deficiency; SULFATIDE LIPIDOSIS. Identifiers: Orphanet 512, MedGen C0023522, MONDO:0018868, OMIM 250100.

Submission:

Laboratory of Experimental Gene Therapy of Hereditary Metabolic Diseases, Research Centre for Medical Genetics
Classification: Uncertain significance for Metachromatic leukodystrophy. Last evaluated: 2026-09-17. Review status: criteria provided, single submitter. Criteria: ARSA MLD Assertion Criteria V2 2026 09 18. Collection method: clinical testing. Allele origin: germline. Inheritance: Autosomal recessive inheritance. Observed: 1 variant allele, 1 compound heterozygote.
Comment: Reassessed under ACMG/AMP 2015 with ClinGen SVI refinements and a Bayesian point framework (supporting=1, moderate=2, strong=4, very strong=8; 6-9 points=likely pathogenic; >=10 points=pathogenic). Final score: 3. Evidence applied: PM2_Supporting, PP3_Moderate. Observations from the present referral series were excluded from classification.

NM_000487.6(ARSA):c.520T>C (p.Cys174Arg)

Gene: ARSA (arylsulfatase A; minus strand). Cytogenetic location: 22q13.33.
Variant type: single nucleotide variant.
Coding change: c.520T>C on transcript NM_000487.6 (MANE Select); coding-DNA position 520, T replaced by C.
Protein change: p.Cys174Arg; replaces cysteine 174 with arginine.
Molecular consequence: missense variant.
Genome position (GRCh38, 1-based): chr22:50,626,998, A>G on the plus strand (T>C on the coding strand, the complement: ARSA is on the minus strand). VCF-style: chr22-50626998-A-G. GRCh37 (hg19) VCF-style: chr22-51065426-A-G.
Other names: NP_000478.3:p.(Cys174Arg); c.520T>C, p.Cys174Arg (NM_001085425.3, NM_001085426.3, NM_001085427.3); c.262T>C, p.Cys88Arg (NM_001085428.3, NM_001362782.2); short protein forms C174R, C88R.
Identifiers: ClinVar variation 4850940 (VCV004850940.2), dbSNP rs1279781691.